The following is an entry in ClinVar:

ClinVar aggregate classification (germline): Uncertain significance (1 of 4 stars; one submission).

Conditions:
Cardiovascular phenotype. Identifiers: MedGen CN230736.

gnomAD v4.1: 7 of 1,614,102 alleles (0.00043%); highest among the groups gnomAD compares: Non-Finnish European, 0.00059%; no homozygotes.

Submission:

Ambry Genetics
Classification: Uncertain significance for Cardiovascular phenotype. Last evaluated: 2026-06-18. Review status: criteria provided, single submitter. Criteria: Ambry Variant Classification Scheme 2023. Collection method: clinical testing. Allele origin: germline.
Comment: The p.K84R variant (also known as c.251A>G), located in coding exon 3 of the LDB3 gene, results from an A to G substitution at nucleotide position 251. The lysine at codon 84 is replaced by arginine, an amino acid with highly similar properties. This amino acid position is conserved. In addition, this alteration is predicted to be tolerated by in silico analysis. Based on the available evidence, the clinical significance of this variant remains unclear.

NM_007078.3(LDB3):c.251A>G (p.Lys84Arg)

Gene: LDB3 (LIM domain binding 3; plus strand). Cytogenetic location: 10q23.2.
Variant type: single nucleotide variant.
Coding change: c.251A>G on transcript NM_007078.3 (MANE Select); coding-DNA position 251, A replaced by G.
Protein change: p.Lys84Arg; replaces lysine 84 with arginine.
Molecular consequence: missense variant.
Genome position (GRCh38, 1-based): chr10:86,680,087, A>G. VCF-style: chr10-86680087-A-G. GRCh37 (hg19) VCF-style: chr10-88439844-A-G.
Other names: c.251A>G, p.Lys84Arg (NM_001080114.2, NM_001080115.2, NM_001080116.1 and 8 more transcripts); short protein forms K84R.
Identifiers: ClinVar variation 5023524 (VCV005023524.1).
Genomic context (GRCh38, chr10:86,680,087, plus strand): 5'-AGCTTCTGGCCCCAGGGGCAACTTCCTCACCTGGTCTCATTTCTGGTTTCTACAGATCAA[A>G]GCGTCCCATTCCCATCTCCACGACAGCACCTCCAGTCCAGACCCCTCTGCCGGTGATCCC-3'
Protein context (NP_009009.1, residues 74-94): YNLSLTLQKS[Lys84Arg]RPIPISTTAP